The following is an entry in ClinVar:

NM_017849.4(TMEM127):c.46A>G (p.Arg16Gly)

Genes: TMEM127 (transmembrane protein 127; minus strand), LOC129934333 (ATAC-STARR-seq lymphoblastoid silent region 11759; plus strand). Cytogenetic location: 2q11.2.
Variant type: single nucleotide variant.
Coding change: c.46A>G on transcript NM_017849.4 (MANE Select); coding-DNA position 46, A replaced by G.
Protein change: p.Arg16Gly; replaces arginine 16 with glycine.
Molecular consequence: missense variant.
Genome position (GRCh38, 1-based): chr2:96,265,336, T>C on the plus strand (A>G on the coding strand, the complement: TMEM127 is on the minus strand). VCF-style: chr2-96265336-T-C. GRCh37 (hg19) VCF-style: chr2-96931074-T-C.
Other names: c.46A>G, p.Arg16Gly (NM_001193304.3); short protein forms R16G.
Identifiers: ClinVar variation 1430092 (VCV001430092.11), dbSNP rs767737615, ClinGen allele CA1777406.

ClinVar aggregate classification (germline): Uncertain significance. Review status: criteria provided, multiple submitters, no conflicts (2 of 4 stars). 2 submissions from 2 submitters: Uncertain significance (2). Last evaluated 2025-08-23.

Conditions:
Hereditary cancer-predisposing syndrome. Also called: Tumor predisposition; Hereditary Cancer Syndrome; Hereditary neoplastic syndrome; Neoplastic Syndromes, Hereditary. Identifiers: Orphanet 140162, MedGen C0027672, MeSH D009386, MONDO:0015356.
Hereditary pheochromocytoma and paraganglioma. Also called: Hereditary paragangliomas and pheochromocytomas; Hereditary Paraganglioma-Pheochromocytoma Syndromes; Hereditary pheochromocytoma-paraganglioma. Identifiers: Orphanet 29072, MedGen C4274332, MONDO:0017366.

Allele frequency attached by ClinVar (database versions not stated): gnomAD 0.00001; gnomAD exomes 0.00001 and 0.00002; ExAC 0.00024.
gnomAD v4.1: 14 of 1,514,142 alleles (0.00092%); highest among the groups gnomAD compares: South Asian, 0.0061%; no homozygotes.

Submissions (2):

Ambry Genetics
Classification: Uncertain significance for Hereditary cancer-predisposing syndrome. Last evaluated: 2025-08-23. Review status: criteria provided, single submitter. Criteria: Ambry Variant Classification Scheme 2023. Collection method: clinical testing. Allele origin: germline.
Comment: The p.R16G variant (also known as c.46A>G), located in coding exon 1 of the TMEM127 gene, results from an A to G substitution at nucleotide position 46. The arginine at codon 16 is replaced by glycine, an amino acid with dissimilar properties. This amino acid position is highly conserved in available vertebrate species. In addition, this alteration is predicted to be deleterious by in silico analysis. Since supporting evidence is limited at this time, the clinical significance of this alteration remains unclear.

Labcorp Genetics (formerly Invitae), Labcorp
Classification: Uncertain significance for Hereditary pheochromocytoma and paraganglioma. Last evaluated: 2025-07-30. Review status: criteria provided, single submitter. Criteria: Invitae Variant Classification Sherloc (09022015). Collection method: clinical testing. Allele origin: germline.
Comment: This sequence change replaces arginine, which is basic and polar, with glycine, which is neutral and non-polar, at codon 16 of the TMEM127 protein (p.Arg16Gly). This variant is present in population databases (rs767737615, gnomAD 0.01%). This variant has not been reported in the literature in individuals affected with TMEM127-related conditions. ClinVar contains an entry for this variant (Variation ID: 1430092). Experimental studies and prediction algorithms are not available or were not evaluated, and the functional significance of this variant is currently unknown. In summary, the available evidence is currently insufficient to determine the role of this variant in disease. Therefore, it has been classified as a Variant of Uncertain Significance.